The following is an entry in ClinVar:

NM_000255.4(MMUT):c.2150G>A (p.Gly717Asp)

Gene: MMUT (methylmalonyl-CoA mutase; minus strand). Cytogenetic location: 6p12.3.
Variant type: single nucleotide variant.
Coding change: c.2150G>A on transcript NM_000255.4 (MANE Select); coding-DNA position 2150, G replaced by A.
Protein change: p.Gly717Asp; replaces glycine 717 with aspartic acid.
Molecular consequence: missense variant.
Genome position (GRCh38, 1-based): chr6:49,431,831, C>T on the plus strand (G>A on the coding strand, the complement: MMUT is on the minus strand). VCF-style: chr6-49431831-C-T. GRCh37 (hg19) VCF-style: chr6-49399544-C-T.
Other names: short protein forms G717D.
Identifiers: ClinVar variation 2737563 (VCV002737563.3), dbSNP rs121918252, ClinGen allele CA364583032.

ClinVar aggregate classification (germline): Likely pathogenic (1 of 4 stars; one submission).

Submission:

Labcorp Genetics (formerly Invitae), Labcorp
Classification: Likely pathogenic. Last evaluated: 2025-12-14. Review status: criteria provided, single submitter. Criteria: Invitae Variant Classification Sherloc (09022015). Collection method: clinical testing. Allele origin: germline.
Comment: This sequence change replaces glycine, which is neutral and non-polar, with aspartic acid, which is acidic and polar, at codon 717 of the MUT protein (p.Gly717Asp). This variant is not present in population databases (gnomAD no frequency). This variant has not been reported in the literature in individuals affected with MUT-related conditions. ClinVar contains an entry for this variant (Variation ID: 2737563). Invitae Evidence Modeling of protein sequence and biophysical properties (such as structural, functional, and spatial information, amino acid conservation, physicochemical variation, residue mobility, and thermodynamic stability) indicates that this missense variant is expected to disrupt MUT protein function with a positive predictive value of 95%. This variant disrupts the p.Gly717 amino acid residue in MUT. Other variant(s) that disrupt this residue have been determined to be pathogenic (PMID: 1346616, 16281286, 25125334, 27233228). This suggests that this residue is clinically significant, and that variants that disrupt this residue are likely to be disease-causing. In summary, the currently available evidence indicates that the variant is pathogenic, but additional data are needed to prove that conclusively. Therefore, this variant has been classified as Likely Pathogenic.

Literature cited by the submitters: PubMed 1346616; PubMed 16281286; PubMed 25125334; PubMed 27233228.